The following is an entry in ClinVar:

NM_031157.4(HNRNPA1):c.279+10T>G

Genes: HNRNPA1 (heterogeneous nuclear ribonucleoprotein A1; plus strand), LOC117038776 (CRISPRi-FlowFISH-validated NFE2 regulatory element 2; plus strand). Cytogenetic location: 12q13.13.
Variant type: single nucleotide variant.
Coding change: c.279+10T>G on transcript NM_031157.4 (MANE Select); 10 bases into the intron after coding-DNA position 279, T replaced by G.
Molecular consequence: intron variant.
Genome position (GRCh38, 1-based): chr12:54,281,951, T>G. VCF-style: chr12-54281951-T-G. GRCh37 (hg19) VCF-style: chr12-54675735-T-G.
Other names: c.279+10T>G (NM_002136.4).
Identifiers: ClinVar variation 3043203 (VCV003043203.2), dbSNP rs778142236, ClinGen allele CA6606167.

ClinVar aggregate classification (germline): Likely benign (0 of 4 stars; one submission).

Conditions:
HNRNPA1-related disorder. Also called: HNRNPA1-related condition.

Allele frequency attached by ClinVar (database versions not stated): gnomAD 0.00001; TOPMed 0.00001.

Submission:

PreventionGenetics, part of Exact Sciences
Classification: Likely benign for HNRNPA1-related condition. Last evaluated: 2019-06-25. Review status: no assertion criteria provided. Collection method: clinical testing. Allele origin: germline.
Comment: This variant is classified as likely benign based on ACMG/AMP sequence variant interpretation guidelines (Richards et al. 2015 PMID: 25741868, with internal and published modifications).